The following is an entry in ClinVar:

ClinVar aggregate classification (germline): Likely benign (1 of 4 stars; one submission).

Allele frequency attached by ClinVar (database versions not stated): gnomAD 0.00001; gnomAD exomes 0.00002; ExAC 0.00003; ESP Exome Variant Server 0.00008; TOPMed 0.00009.

Submission:

CeGaT Center for Human Genetics Tuebingen
Classification: Likely benign. Last evaluated: 2023-11-01. Review status: criteria provided, single submitter. Criteria: CeGaT Center For Human Genetics Tuebingen Variant Classification Criteria Version 2. Collection method: clinical testing. Allele origin: germline. Affected: yes. Observed: 1 variant allele.
Comment: MUC2: BP4, BP7

NM_002457.5(MUC2):c.4032C>T (p.Pro1344=)

Gene: MUC2 (mucin 2, oligomeric mucus/gel-forming; plus strand). Cytogenetic location: 11p15.5.
Variant type: single nucleotide variant.
Coding change: c.4032C>T on transcript NM_002457.5 (MANE Select); coding-DNA position 4032, C replaced by T.
Protein change: p.Pro1344=; no amino-acid change (proline 1344 retained).
Molecular consequence: synonymous variant.
Genome position (GRCh38, 1-based): chr11:1,094,275, C>T. VCF-style: chr11-1094275-C-T. GRCh37 (hg19) VCF-style: chr11-1092213-C-T.
Identifiers: ClinVar variation 2672430 (VCV002672430.23), dbSNP rs374641158, ClinGen allele CA5799660.